The following is an entry in ClinVar:

NM_001042492.3(NF1):c.6060A>G (p.Thr2020=)

Gene: NF1 (neurofibromin 1; plus strand). Cytogenetic location: 17q11.2.
Variant type: single nucleotide variant.
Coding change: c.6060A>G on transcript NM_001042492.3 (MANE Select); coding-DNA position 6060, A replaced by G.
Protein change: p.Thr2020=; no amino-acid change (threonine 2020 retained).
Molecular consequence: synonymous variant.
Genome position (GRCh38, 1-based): chr17:31,336,386, A>G. VCF-style: chr17-31336386-A-G. GRCh37 (hg19) VCF-style: chr17-29663404-A-G.
Other names: c.5997A>G, p.Thr1999= (NM_000267.4).
Identifiers: ClinVar variation 234052 (VCV000234052.17), dbSNP rs761889172, ClinGen allele CA8487293.
Genomic context (GRCh38, chr17:31,336,386, plus strand): 5'-CAACTAGATTACAGATCTGCTTGATGTTGTACTAGACAGTTTCATCAAAACCAGTGCAAC[A>G]GGTGGCTTGGGATCAATAAAAGCTGAGGTGATGGCAGATACTGCTGTAGCTTTGGCTTCT-3'
Protein context (NP_001035957.1, residues 2010-2030): VLDSFIKTSA[Thr2020=]GGLGSIKAEV

ClinVar aggregate classification (germline): Benign/Likely benign. Review status: criteria provided, multiple submitters, no conflicts (2 of 4 stars). 7 submissions from 7 submitters: Benign (1); Likely benign (5). 1 of the submissions does not count toward it. Last evaluated 2026-05-21.

Conditions:
NF1-related disorder. Also called: NF1-related condition. Identifiers: MedGen CN379171.
Neurofibromatosis, type 1 (NF1). Also called: NEUROFIBROMATOSIS, TYPE I, SOMATIC; Neurofibromatosis, type I; VON RECKLINGHAUSEN DISEASE; Peripheral type neurofibromatosis. Identifiers: Orphanet 636, MedGen C0027831, MONDO:0018975, OMIM 162200. Disease mechanism: loss of function.
Hereditary cancer-predisposing syndrome. Also called: Hereditary neoplastic syndrome; Neoplastic Syndromes, Hereditary; Hereditary Cancer Syndrome; Tumor predisposition. Identifiers: Orphanet 140162, MedGen C0027672, MeSH D009386, MONDO:0015356.

Allele frequency attached by ClinVar (database versions not stated): gnomAD exomes below 0.00001 and 0.00001; gnomAD 0.00002; TOPMed 0.00001; ExAC 0.00002.
gnomAD v4.1: 11 of 1,614,024 alleles (0.00068%); highest among the groups gnomAD compares: Non-Finnish European, 0.00085%; no homozygotes.

Submissions (7):

Myriad Genetics, Inc.
Classification: Benign for Neurofibromatosis, type 1. Last evaluated: 2026-05-21. Review status: criteria provided, single submitter. Criteria: Myriad Autosomal Dominant, Autosomal Recessive and X-Linked Classification Criteria (2023). Collection method: clinical testing. Allele origin: unknown.
Comment: This variant is considered benign. This variant is a silent/synonymous amino acid change and it is not expected to impact splicing.

Labcorp Genetics (formerly Invitae), Labcorp
Classification: Likely benign for Neurofibromatosis, type 1. Last evaluated: 2026-01-13. Review status: criteria provided, single submitter. Criteria: Invitae Variant Classification Sherloc (09022015). Collection method: clinical testing. Allele origin: germline.

Genome-Nilou Lab
Classification: Likely benign for Neurofibromatosis, type 1. Last evaluated: 2022-03-15. Review status: criteria provided, single submitter. Criteria: ACMG Guidelines, 2015. Collection method: clinical testing. Allele origin: germline. Affected: no.

Sema4
Classification: Likely benign for Hereditary cancer-predisposing syndrome. Last evaluated: 2021-12-25. Review status: criteria provided, single submitter. Criteria: Sema4 Curation Guidelines. Collection method: curation. Allele origin: germline.

GeneDx
Classification: Likely benign. Last evaluated: 2017-08-04. Review status: criteria provided, single submitter. Criteria: GeneDx Variant Classification (06012015). Collection method: clinical testing. Allele origin: germline. Affected: yes.
Comment: This variant is considered likely benign or benign based on one or more of the following criteria: it is a conservative change, it occurs at a poorly conserved position in the protein, it is predicted to be benign by multiple in silico algorithms, and/or has population frequency not consistent with disease.

Ambry Genetics
Classification: Likely benign for Hereditary cancer-predisposing syndrome. Last evaluated: 2015-09-25. Review status: criteria provided, single submitter. Criteria: Ambry Autosomal Dominant and X-Linked criteria (10/2015). Collection method: clinical testing. Allele origin: germline. Observed: 1 variant allele.
Comment: Synonymous alterations with insufficient evidence to classify as benign

PreventionGenetics, part of Exact Sciences
Classification: Likely benign for NF1-related condition. Last evaluated: 2024-09-28. Review status: no assertion criteria provided. Collection method: clinical testing. Allele origin: germline. Not counted in ClinVar's aggregate classification.
Comment: This variant is classified as likely benign based on ACMG/AMP sequence variant interpretation guidelines (Richards et al. 2015 PMID: 25741868, with internal and published modifications).